The following is an entry in ClinVar:

NM_001040105.2(MUC17):c.7519A>G (p.Ile2507Val)

Gene: MUC17 (mucin 17, cell surface associated; plus strand). Cytogenetic location: 7q22.1.
Variant type: single nucleotide variant.
Coding change: c.7519A>G on transcript NM_001040105.2 (MANE Select); coding-DNA position 7519, A replaced by G.
Protein change: p.Ile2507Val; replaces isoleucine 2507 with valine.
Molecular consequence: missense variant. On other transcripts: non-coding transcript variant (1).
Genome position (GRCh38, 1-based): chr7:101,038,935, A>G. VCF-style: chr7-101038935-A-G. GRCh37 (hg19) VCF-style: chr7-100682216-A-G.
Other names: short protein forms I2507V.
Identifiers: ClinVar variation 2657845 (VCV002657845.24), dbSNP rs200633454, ClinGen allele CA4403122.
Genomic context (GRCh38, chr7:101,038,935, plus strand): 5'-ATGACCACTTCTACTGAAGCCAGTTCATCTCCTACAACTGCTGAAGATATCGTCGTGCCA[A>G]TCTCAACTGCTAGTGAAGGAAGTACTCTATTAACAAGTATACCTGTCAGCACCACGCCAG-3'
Protein context (NP_001035194.1, residues 2497-2517): PTTAEDIVVP[Ile2507Val]STASEGSTLL

ClinVar aggregate classification (germline): Likely benign (1 of 4 stars; one submission).

Allele frequency attached by ClinVar (database versions not stated): ESP Exome Variant Server 0.00023; gnomAD 0.00039; TOPMed 0.00039; 1000 Genomes Project 30x 0.00047; 1000 Genomes Project 0.00060; ExAC 0.00120.
gnomAD v4.1: 1,014 of 1,613,922 alleles (0.063%); highest among the groups gnomAD compares: Middle Eastern, 0.66%; 8 homozygotes.

Submission:

CeGaT Center for Human Genetics Tuebingen
Classification: Likely benign. Last evaluated: 2022-08-01. Review status: criteria provided, single submitter. Criteria: CeGaT Center For Human Genetics Tuebingen Variant Classification Criteria Version 2. Collection method: clinical testing. Allele origin: germline. Affected: yes. Observed: 1 variant allele.
Comment: MUC17: BP4